The following is an entry in ClinVar:

NM_001903.5(CTNNA1):c.917A>T (p.Glu306Val)

Gene: CTNNA1 (catenin alpha 1; plus strand). Cytogenetic location: 5q31.2.
Variant type: single nucleotide variant.
Coding change: c.917A>T on transcript NM_001903.5 (MANE Select); coding-DNA position 917, A replaced by T.
Protein change: p.Glu306Val; replaces glutamic acid 306 with valine.
Molecular consequence: missense variant.
Genome position (GRCh38, 1-based): chr5:138,827,573, A>T. VCF-style: chr5-138827573-A-T. GRCh37 (hg19) VCF-style: chr5-138163262-A-T.
Other names: c.917A>T, p.Glu306Val (NM_001290307.3, NM_001323982.2, NM_001323983.1 and 3 more transcripts); c.608A>T, p.Glu203Val (NM_001290309.3); c.548A>T, p.Glu183Val (NM_001290310.3); short protein forms E183V, E306V, E203V.
Identifiers: ClinVar variation 1766060 (VCV001766060.2), dbSNP rs2532446643, ClinGen allele CA361130827.
Genomic context (GRCh38, chr5:138,827,573, plus strand): 5'-AGAAACAAATCATTGTGGACCCCTTGAGCTTCAGCGAGGAGCGCTTTAGGCCTTCCCTGG[A>T]GGAGCGTCTGGAAAGCATCATTAGTGGGGCTGCCTTGATGGCCGACTCGTCCTGCACGCG-3'
Protein context (NP_001894.2, residues 296-316): FSEERFRPSL[Glu306Val]ERLESIISGA

ClinVar aggregate classification (germline): Uncertain significance (1 of 4 stars; one submission).

Conditions:
Hereditary cancer-predisposing syndrome. Also called: Neoplastic Syndromes, Hereditary; Tumor predisposition; Hereditary Cancer Syndrome; Hereditary neoplastic syndrome. Identifiers: Orphanet 140162, MedGen C0027672, MeSH D009386, MONDO:0015356.

Submission:

Ambry Genetics
Classification: Uncertain significance for Hereditary cancer-predisposing syndrome. Last evaluated: 2022-05-02. Review status: criteria provided, single submitter. Criteria: Ambry Variant Classification Scheme 2023. Collection method: clinical testing. Allele origin: germline.
Comment: The p.E306V variant (also known as c.917A>T), located in coding exon 6 of the CTNNA1 gene, results from an A to T substitution at nucleotide position 917. The glutamic acid at codon 306 is replaced by valine, an amino acid with dissimilar properties. This amino acid position is conserved. In addition, this alteration is predicted to be deleterious by in silico analysis. Since supporting evidence is limited at this time, the clinical significance of this alteration remains unclear.